The following is an entry in ClinVar:

NM_005732.4(RAD50):c.3496C>G (p.Arg1166Gly)

Genes: TH2-LCR (Th2 cytokine locus control region; plus strand), RAD50 (RAD50 double strand break repair protein; plus strand), TH2LCRR (T helper type 2 locus control region associated RNA; minus strand). Cytogenetic location: 5q31.1.
Variant type: single nucleotide variant.
Coding change: c.3496C>G on transcript NM_005732.4 (MANE Select); coding-DNA position 3496, C replaced by G.
Protein change: p.Arg1166Gly; replaces arginine 1166 with glycine.
Molecular consequence: missense variant. On other transcripts: non-coding transcript variant (2).
Genome position (GRCh38, 1-based): chr5:132,638,101, C>G. VCF-style: chr5-132638101-C-G. GRCh37 (hg19) VCF-style: chr5-131973793-C-G.
Other names: short protein forms R1166G.
Identifiers: ClinVar variation 2451422 (VCV002451422.2), dbSNP rs587782577, ClinGen allele CA360931196.

ClinVar aggregate classification (germline): Uncertain significance (1 of 4 stars; one submission).

Conditions:
Hereditary cancer-predisposing syndrome. Also called: Neoplastic Syndromes, Hereditary; Tumor predisposition; Hereditary neoplastic syndrome; Hereditary Cancer Syndrome. Identifiers: Orphanet 140162, MedGen C0027672, MeSH D009386, MONDO:0015356.

Submission:

Ambry Genetics
Classification: Uncertain significance for Hereditary cancer-predisposing syndrome. Last evaluated: 2023-01-20. Review status: criteria provided, single submitter. Criteria: Ambry Variant Classification Scheme 2023. Collection method: clinical testing. Allele origin: germline.
Comment: The p.R1166G variant (also known as c.3496C>G), located in coding exon 23 of the RAD50 gene, results from a C to G substitution at nucleotide position 3496. The arginine at codon 1166 is replaced by glycine, an amino acid with dissimilar properties. This amino acid position is conserved. In addition, this alteration is predicted to be deleterious by in silico analysis. Since supporting evidence is limited at this time, the clinical significance of this alteration remains unclear.